The following is an entry in ClinVar:

NM_001163809.2(WDR81):c.4606C>G (p.Pro1536Ala)

Gene: WDR81 (WD repeat domain 81; plus strand). Cytogenetic location: 17p13.3.
Variant type: single nucleotide variant.
Coding change: c.4606C>G on transcript NM_001163809.2 (MANE Select); coding-DNA position 4606, C replaced by G.
Protein change: p.Pro1536Ala; replaces proline 1536 with alanine.
Molecular consequence: missense variant.
Genome position (GRCh38, 1-based): chr17:1,733,643, C>G. VCF-style: chr17-1733643-C-G. GRCh37 (hg19) VCF-style: chr17-1636937-C-G.
Other names: c.997C>G, p.Pro333Ala (NM_001163673.2); c.925C>G, p.Pro309Ala (NM_001163811.2); c.1453C>G, p.Pro485Ala (NM_152348.4); short protein forms P1536A, P309A, P333A, P485A.
Identifiers: ClinVar variation 4686395 (VCV004686395.1).

ClinVar aggregate classification (germline): Uncertain significance (1 of 4 stars; one submission).

gnomAD v4.1: 12 of 1,604,246 alleles (0.00075%); highest among the groups gnomAD compares: African/African-American, 0.0013%; no homozygotes.

Submission:

GeneDx
Classification: Uncertain significance. Last evaluated: 2025-07-13. Review status: criteria provided, single submitter. Criteria: GeneDx Variant Classification Process June 2021. Collection method: clinical testing. Allele origin: germline. Affected: yes.
Comment: Not observed at significant frequency in large population cohorts (gnomAD); In silico analysis suggests that this missense variant does not alter protein structure/function; Has not been previously published as pathogenic or benign to our knowledge